The following is an entry in ClinVar:

ClinVar aggregate classification (germline): Conflicting classifications of pathogenicity. Review status: criteria provided, conflicting classifications (1 of 4 stars). 2 submissions from 2 submitters: Uncertain significance (1); Likely benign (1). Last evaluated 2026-07-29.

Conditions:
Cornelia de Lange syndrome 5 (CDLS5). Also called: HDAC8-Related Cornelia de Lange Syndrome. Identifiers: Orphanet 199, MedGen C3550903, MONDO:0010471, OMIM 300882.
Inborn genetic diseases. Identifiers: MedGen C0950123, MeSH D030342.

Allele frequency attached by ClinVar (database versions not stated): gnomAD exomes 0.00001; 1000 Genomes Project 0.00026; ESP Exome Variant Server 0.00009; 1000 Genomes Project 30x 0.00021; ExAC 0.00002.
gnomAD v4.1: 19 of 1,177,904 alleles (0.0016%); highest among the groups gnomAD compares: Middle Eastern, 0.023%; no homozygotes.

Submissions (2):

Ambry Genetics
Classification: Likely benign for Inborn genetic diseases. Last evaluated: 2026-07-29. Review status: criteria provided, single submitter. Criteria: Ambry Variant Classification Scheme 2023. Collection method: clinical testing. Allele origin: germline.

Labcorp Genetics (formerly Invitae), Labcorp
Classification: Uncertain significance for Cornelia de Lange syndrome 5. Last evaluated: 2024-12-12. Review status: criteria provided, single submitter. Criteria: Invitae Variant Classification Sherloc (09022015). Collection method: clinical testing. Allele origin: germline.
Comment: This sequence change replaces valine, which is neutral and non-polar, with methionine, which is neutral and non-polar, at codon 214 of the HDAC8 protein (p.Val214Met). The frequency data for this variant in the population databases is considered unreliable, as metrics indicate poor data quality at this position in the gnomAD database. This variant has not been reported in the literature in individuals affected with HDAC8-related conditions. ClinVar contains an entry for this variant (Variation ID: 2040254). Invitae Evidence Modeling of protein sequence and biophysical properties (such as structural, functional, and spatial information, amino acid conservation, physicochemical variation, residue mobility, and thermodynamic stability) indicates that this missense variant is not expected to disrupt HDAC8 protein function with a negative predictive value of 80%. In summary, the available evidence is currently insufficient to determine the role of this variant in disease. Therefore, it has been classified as a Variant of Uncertain Significance.

NM_018486.3(HDAC8):c.640G>A (p.Val214Met)

Gene: HDAC8 (histone deacetylase 8; minus strand). Cytogenetic location: Xq13.1.
Variant type: single nucleotide variant.
Coding change: c.640G>A on transcript NM_018486.3 (MANE Select); coding-DNA position 640, G replaced by A.
Protein change: p.Val214Met; replaces valine 214 with methionine.
Molecular consequence: missense variant. On other transcripts: non-coding transcript variant (1).
Genome position (GRCh38, 1-based): chrX:72,489,030, C>T on the plus strand (G>A on the coding strand, the complement: HDAC8 is on the minus strand). VCF-style: chrX-72489030-C-T. GRCh37 (hg19) VCF-style: chrX-71708880-C-T.
Other names: c.640G>A (NM_018486.2); c.367G>A, p.Val123Met (NM_001166418.2, NM_001410728.1); c.640G>A, p.Val214Met (NM_001166419.2, NM_001410725.1, NM_001410729.1); c.289G>A, p.Val97Met (NM_001166448.2); c.562G>A, p.Val188Met (NM_001410727.1, NM_001410730.1); short protein forms V123M, V188M, V97M, V214M.
Identifiers: ClinVar variation 2040254 (VCV002040254.5), dbSNP rs187490376, ClinGen allele CA10450208.